The following is an entry in ClinVar:

ClinVar aggregate classification (germline): Uncertain significance. Review status: criteria provided, multiple submitters, no conflicts (2 of 4 stars). 5 submissions from 5 submitters: Uncertain significance (5). Last evaluated 2026-01-12.

Conditions:
Arrhythmogenic right ventricular cardiomyopathy (ARVD). Also called: Cardiomyopathy, ARVC; Arrhythmogenic cardiomyopathy; Arrhythmogenic Right Ventricular Cardiomyopathy (ARVC); Arrhythmogenic right ventricular dysplasia. Identifiers: Orphanet 247, MedGen C0349788, MeSH D019571, MONDO:0016587. Disease mechanism: loss of function. Inheritance: Various modes of inheritance.
Cardiomyopathy (CMYO). Also called: Cardiomyopathies. Identifiers: Orphanet 167848, MedGen C0878544, MONDO:0004994, HP:0001638. Inheritance: Various modes of inheritance.
Cardiovascular phenotype. Identifiers: MedGen CN230736.
Arrhythmogenic right ventricular dysplasia 9 (ARVD9). Also called: Arrhythmogenic Right Ventricular Dysplasia/Cardiomyopathy 9; ARRHYTHMOGENIC RIGHT VENTRICULAR DYSPLASIA, FAMILIAL, 9. Identifiers: MedGen C1836906, MONDO:0012180, OMIM 609040.

Allele frequency attached by ClinVar (database versions not stated): gnomAD exomes 0.00001; gnomAD 0.00004; TOPMed 0.00003.
gnomAD v4.1: 10 of 1,613,960 alleles (0.00062%); highest among the groups gnomAD compares: African/African-American, 0.013%; no homozygotes.

Submissions (5):

Labcorp Genetics (formerly Invitae), Labcorp
Classification: Uncertain significance for Arrhythmogenic right ventricular dysplasia 9. Last evaluated: 2026-01-12. Review status: criteria provided, single submitter. Criteria: Invitae Variant Classification Sherloc (09022015). Collection method: clinical testing. Allele origin: germline.
Comment: This sequence change replaces arginine, which is basic and polar, with glycine, which is neutral and non-polar, at codon 653 of the PKP2 protein (p.Arg653Gly). This variant is present in population databases (rs775103879, gnomAD 0.02%). This variant has not been reported in the literature in individuals affected with PKP2-related conditions. ClinVar contains an entry for this variant (Variation ID: 864395). An algorithm developed to predict the effect of missense changes on protein structure and function (PolyPhen-2) suggests that this variant is likely to be disruptive. In summary, the available evidence is currently insufficient to determine the role of this variant in disease. Therefore, it has been classified as a Variant of Uncertain Significance.

Color Diagnostics, LLC DBA Color Health
Classification: Uncertain significance for Cardiomyopathy. Last evaluated: 2025-09-11. Review status: criteria provided, single submitter. Criteria: ACMG Guidelines, 2015. Collection method: clinical testing. Allele origin: germline.
Comment: This missense variant replaces arginine with glycine at codon 653 of the PKP2 protein. Computational prediction suggests that this variant may not impact protein structure and function. To our knowledge, functional studies have not been reported for this variant. This variant has not been reported in individuals affected with PKP2-related disorders in the literature. This variant has been identified in 5/282746 chromosomes in the general population by the Genome Aggregation Database (gnomAD). The available evidence is insufficient to determine the role of this variant in disease conclusively. Therefore, this variant is classified as a Variant of Uncertain Significance.

All of Us Research Program, National Institutes of Health
Classification: Uncertain significance for Arrhythmogenic right ventricular cardiomyopathy. Last evaluated: 2023-08-23. Review status: criteria provided, single submitter. Criteria: ACMG Guidelines, 2015. Collection method: clinical testing. Allele origin: germline. Inheritance: Autosomal dominant inheritance. Observed: 2 variant alleles, 2 heterozygotes.
Comment: This missense variant replaces arginine with glycine at codon 653 of the PKP2 protein. Computational prediction suggests that this variant may not impact protein structure and function (internally defined REVEL score threshold <= 0.5, PMID: 27666373). To our knowledge, functional studies have not been reported for this variant. This variant has not been reported in individuals affected with cardiovascular disorders in the literature. This variant has been identified in 5/282746 chromosomes in the general population by the Genome Aggregation Database (gnomAD). The available evidence is insufficient to determine the role of this variant in disease conclusively. Therefore, this variant is classified as a Variant of Uncertain Significance.

This study involves interpretation of variants in research participants for the purpose of population health screening. Participant phenotype was not available at the time of variant classification. Additional details can be found in publication PMID: 35346344, PMCID: PMC8962531

GeneDx
Classification: Uncertain significance. Last evaluated: 2023-07-18. Review status: criteria provided, single submitter. Criteria: GeneDx Variant Classification Process June 2021. Collection method: clinical testing. Allele origin: germline.
Comment: Not observed at significant frequency in large population cohorts (gnomAD); In silico analysis supports that this missense variant has a deleterious effect on protein structure/function; Observed in an individual with hypertrophic cardiomyopathy (van Lint et al., 2019); This variant is associated with the following publications: (PMID: 30847666)

Ambry Genetics
Classification: Uncertain significance for Cardiovascular phenotype. Last evaluated: 2019-07-31. Review status: criteria provided, single submitter. Criteria: Ambry Variant Classification Scheme 2023. Collection method: clinical testing. Allele origin: germline.
Comment: The p.R653G variant (also known as c.1957A>G), located in coding exon 9 of the PKP2 gene, results from an A to G substitution at nucleotide position 1957. The arginine at codon 653 is replaced by glycine, an amino acid with dissimilar properties. This amino acid position is highly conserved in available vertebrate species. In addition, the in silico prediction for this alteration is inconclusive. Since supporting evidence is limited at this time, the clinical significance of this alteration remains unclear.

NM_001005242.3(PKP2):c.1825A>G (p.Arg609Gly)

Gene: PKP2 (plakophilin 2; minus strand). Cytogenetic location: 12p11.21.
Variant type: single nucleotide variant.
Coding change: c.1825A>G on transcript NM_001005242.3 (MANE Select); coding-DNA position 1825, A replaced by G.
Protein change: p.Arg609Gly; replaces arginine 609 with glycine.
Molecular consequence: missense variant.
Genome position (GRCh38, 1-based): chr12:32,822,481, T>C on the plus strand (A>G on the coding strand, the complement: PKP2 is on the minus strand). VCF-style: chr12-32822481-T-C. GRCh37 (hg19) VCF-style: chr12-32975415-T-C.
Other names: c.1957A>G, p.Arg653Gly (NM_004572.4); short protein forms R653G, R609G.
Identifiers: ClinVar variation 864395 (VCV000864395.15), dbSNP rs775103879, ClinGen allele CA031627.
Genomic context (GRCh38, chr12:32,822,481, plus strand): 5'-TCTCATTCTCTCCCTTTCTCATTCTTTCAAAAACTTCCCAATATACCTCTTTTACTTTCC[T>C]GCTTCGACTGCCAAAACATCCAATACTTTTGTTGTTGTCAGTCTGGATATTCCGGTTTTG-3'
Protein context (NP_001005242.2, residues 599-619): KSIGCFGSRS[Arg609Gly]KVKEQYQDVP